The following is an entry in ClinVar:

ClinVar aggregate classification (germline): Pathogenic. Review status: criteria provided, multiple submitters, no conflicts (2 of 4 stars). 5 submissions from 5 submitters: Pathogenic (3). 2 of the submissions do not count toward it. Last evaluated 2024-12-19.

Conditions:
NDP-related disorders.

Submissions (5):

Labcorp Genetics (formerly Invitae), Labcorp
Classification: Pathogenic. Last evaluated: 2024-12-19. Review status: criteria provided, single submitter. Criteria: Invitae Variant Classification Sherloc (09022015). Collection method: clinical testing. Allele origin: germline.
Comment: This sequence change replaces arginine, which is basic and polar, with cysteine, which is neutral and slightly polar, at codon 38 of the NDP protein (p.Arg38Cys). This variant is present in population databases (no rsID available, gnomAD 0.001%). This missense change has been observed in individual(s) with exudative vitreoretinopathy (FEVR) and/or Norrie disease (PMID: 14635119, 21960066, 30074570, 30452590; internal data). This variant is also known as C520T. ClinVar contains an entry for this variant (Variation ID: 987301). Invitae Evidence Modeling of protein sequence and biophysical properties (such as structural, functional, and spatial information, amino acid conservation, physicochemical variation, residue mobility, and thermodynamic stability) has been performed for this missense variant. However, the output from this modeling did not meet the statistical confidence thresholds required to predict the impact of this variant on NDP protein function. For these reasons, this variant has been classified as Pathogenic.

Institute of Medical Genetics and Applied Genomics, University Hospital Tübingen
Classification: Pathogenic. Last evaluated: 2020-10-23. Review status: criteria provided, single submitter. Criteria: ACMG Guidelines, 2015. Collection method: clinical testing. Allele origin: germline. Inheritance: X-linked inheritance. Affected: yes.

Blueprint Genetics
Classification: Pathogenic for NDP-related disorders. Last evaluated: 2019-09-09. Review status: criteria provided, single submitter. Criteria: ACMG Guidelines, 2015. Collection method: clinical testing. Allele origin: germline. Affected: yes. Observed: 1 variant allele.

Genome Diagnostics Laboratory, Amsterdam University Medical Center
Classification: Likely pathogenic. Review status: no assertion criteria provided. Collection method: clinical testing. Allele origin: germline. Affected: yes. Study: VKGL Data-share Consensus. Not counted in ClinVar's aggregate classification.

Joint Genome Diagnostic Labs from Nijmegen and Maastricht, Radboudumc and MUMC+
Classification: Likely pathogenic. Review status: no assertion criteria provided. Collection method: clinical testing. Allele origin: germline. Affected: yes. Study: VKGL Data-share Consensus. Not counted in ClinVar's aggregate classification.

Literature cited by the submitters: PubMed 14635119 (cited by Labcorp Genetics (formerly Invitae), Labcorp); PubMed 21960066 (cited by Labcorp Genetics (formerly Invitae), Labcorp); PubMed 30074570 (cited by Labcorp Genetics (formerly Invitae), Labcorp); PubMed 30452590 (cited by Labcorp Genetics (formerly Invitae), Labcorp).

NM_000266.4(NDP):c.112C>T (p.Arg38Cys)

Genes: NDP (norrin cystine knot growth factor NDP; minus strand), NDP-AS1 (NDP antisense RNA 1; plus strand). Cytogenetic location: Xp11.3.
Variant type: single nucleotide variant.
Coding change: c.112C>T on transcript NM_000266.4 (MANE Select); coding-DNA position 112, C replaced by T.
Protein change: p.Arg38Cys; replaces arginine 38 with cysteine.
Molecular consequence: missense variant.
Genome position (GRCh38, 1-based): chrX:43,958,534, G>A on the plus strand (C>T on the coding strand, the complement: NDP is on the minus strand). VCF-style: chrX-43958534-G-A. GRCh37 (hg19) VCF-style: chrX-43817780-G-A.
Other names: short protein forms R38C.
Identifiers: ClinVar variation 987301 (VCV000987301.9), dbSNP rs758550101, ClinGen allele CA413009086.